The following is an entry in ClinVar:

NM_001846.4(COL4A2):c.2487C>T (p.Ser829=)

Gene: COL4A2 (collagen type IV alpha 2 chain; plus strand). Cytogenetic location: 13q34.
Variant type: single nucleotide variant.
Coding change: c.2487C>T on transcript NM_001846.4 (MANE Select); coding-DNA position 2487, C replaced by T.
Protein change: p.Ser829=; no amino-acid change (serine 829 retained).
Molecular consequence: synonymous variant.
Genome position (GRCh38, 1-based): chr13:110,478,064, C>T. VCF-style: chr13-110478064-C-T. GRCh37 (hg19) VCF-style: chr13-111130411-C-T.
Other names: p.Ser829=.
Identifiers: ClinVar variation 1925495 (VCV001925495.6), dbSNP rs770230426, ClinGen allele CA7049929.

ClinVar aggregate classification (germline): Likely benign. Review status: criteria provided, multiple submitters, no conflicts (2 of 4 stars). 2 submissions from 2 submitters: Likely benign (2). Last evaluated 2025-03-26.

Allele frequency attached by ClinVar (database versions not stated): ExAC 0.00001; gnomAD 0.00003; TOPMed 0.00003.
gnomAD v4.1: 16 of 1,605,158 alleles (0.001%); highest among the groups gnomAD compares: African/African-American, 0.004%; no homozygotes.

Submissions (2):

Mayo Clinic Laboratories, Mayo Clinic
Classification: Likely benign. Last evaluated: 2025-03-26. Review status: criteria provided, single submitter. Criteria: ACMG Guidelines, 2015. Collection method: clinical testing. Allele origin: germline. Observed: 1 variant allele.
Comment: BP4, BP7

Labcorp Genetics (formerly Invitae), Labcorp
Classification: Likely benign. Last evaluated: 2022-06-26. Review status: criteria provided, single submitter. Criteria: Invitae Variant Classification Sherloc (09022015). Collection method: clinical testing. Allele origin: germline.